The following is an entry in ClinVar:

NM_002471.4(MYH6):c.3670A>G (p.Ser1224Gly)

Gene: MYH6 (myosin heavy chain 6; minus strand). Cytogenetic location: 14q11.2.
Variant type: single nucleotide variant.
Coding change: c.3670A>G on transcript NM_002471.4 (MANE Select); coding-DNA position 3670, A replaced by G.
Protein change: p.Ser1224Gly; replaces serine 1224 with glycine.
Molecular consequence: missense variant.
Genome position (GRCh38, 1-based): chr14:23,390,119, T>C on the plus strand (A>G on the coding strand, the complement: MYH6 is on the minus strand). VCF-style: chr14-23390119-T-C. GRCh37 (hg19) VCF-style: chr14-23859328-T-C.
Other names: short protein forms S1224G.
Identifiers: ClinVar variation 3915593 (VCV003915593.1).

ClinVar aggregate classification (germline): Uncertain significance (1 of 4 stars; one submission).

Conditions:
Cardiovascular phenotype. Identifiers: MedGen CN230736.

Submission:

Ambry Genetics
Classification: Uncertain significance for Cardiovascular phenotype. Last evaluated: 2025-04-24. Review status: criteria provided, single submitter. Criteria: Ambry Variant Classification Scheme 2023. Collection method: clinical testing. Allele origin: germline.
Comment: The p.S1224G variant (also known as c.3670A>G), located in coding exon 24 of the MYH6 gene, results from an A to G substitution at nucleotide position 3670. The serine at codon 1224 is replaced by glycine, an amino acid with similar properties. This amino acid position is conserved. In addition, the in silico prediction for this alteration is inconclusive. Based on the available evidence, the clinical significance of this variant remains unclear.